The following is an entry in ClinVar:

ClinVar aggregate classification (germline): Pathogenic (1 of 4 stars; one submission).

Conditions:
Mucopolysaccharidosis type 1. Also called: IDUA deficiency; MPS I; Mucopolysaccharidosis Type I. Identifiers: Orphanet 579, MedGen C0023786, MONDO:0001586.

Submission:

Myriad Genetics, Inc.
Classification: Pathogenic for Mucopolysaccharidosis type 1. Last evaluated: 2025-11-25. Review status: criteria provided, single submitter. Criteria: Myriad Autosomal Dominant, Autosomal Recessive and X-Linked Classification Criteria (2023). Collection method: clinical testing. Allele origin: unknown.
Comment: NM_000203.3(IDUA):c.1631_1640del10(P544Rfs*13) is expected to be pathogenic in the context of mucopolysaccharidosis type I. This variant is predicted to lead to an abnormal or absent protein product due to the creation of a premature termination codon in IDUA, a gene where loss-of-function variants are known to be pathogenic. Please note: this variant was assessed in the context of healthy population screening.

NM_000203.5(IDUA):c.1631_1640del (p.Pro544fs)

Gene: IDUA (alpha-L-iduronidase; plus strand). Cytogenetic location: 4p16.3.
Variant type: Deletion.
Coding change: c.1631_1640del on transcript NM_000203.5 (MANE Select); coding-DNA positions 1631 to 1640, 10 bases deleted (CCGAGAAGCC; older notation c.1631_1640delCCGAGAAGCC).
Protein change: p.Pro544fs; shifts the reading frame from proline 544.
Molecular consequence: frameshift variant. On other transcripts: non-coding transcript variant (1).
Genome position (GRCh38, 1-based): chr4:1,003,451-1,003,460, CCGAGAAGCC deleted; deleting any 10 consecutive bases within chr4:1,003,448-1,003,460 gives the same sequence; the c. name uses the placement nearest the transcript's 3' end. VCF-style (leftmost placement, unchanged base first): chr4-1003447-CGCCCCGAGAA-C. GRCh37 (hg19) VCF-style: chr4-997235-CGCCCCGAGAA-C.
Other names: c.1235_1244del, p.Pro412fs (NM_001363576.1); short protein forms P412fs, P544fs.
Identifiers: ClinVar variation 5015259 (VCV005015259.1).